The following is an entry in ClinVar:

NM_022124.6(CDH23):c.4279A>G (p.Ser1427Gly)

Gene: CDH23 (cadherin related 23; plus strand). Cytogenetic location: 10q22.1.
Variant type: single nucleotide variant.
Coding change: c.4279A>G on transcript NM_022124.6 (MANE Select); coding-DNA position 4279, A replaced by G.
Protein change: p.Ser1427Gly; replaces serine 1427 with glycine.
Molecular consequence: missense variant.
Genome position (GRCh38, 1-based): chr10:71,738,567, A>G. VCF-style: chr10-71738567-A-G. GRCh37 (hg19) VCF-style: chr10-73498324-A-G.
Other names: c.4279A>G (NM_022124.5); short protein forms S1427G.
Identifiers: ClinVar variation 2150275 (VCV002150275.6), dbSNP rs2494209840, ClinGen allele CA377159238.

ClinVar aggregate classification (germline): Uncertain significance. Review status: criteria provided, multiple submitters, no conflicts (2 of 4 stars). 2 submissions from 2 submitters: Uncertain significance (2). Last evaluated 2026-01-05.

Conditions:
Inborn genetic diseases. Identifiers: MedGen C0950123, MeSH D030342.

Allele frequency attached by ClinVar (database versions not stated): gnomAD exomes below 0.00001.
gnomAD v4.1: 1 of 1,613,948 alleles (0.000062%); highest among the groups gnomAD compares: Non-Finnish European, 0.000085%; no homozygotes.

Submissions (2):

Labcorp Genetics (formerly Invitae), Labcorp
Classification: Uncertain significance. Last evaluated: 2026-01-05. Review status: criteria provided, single submitter. Criteria: Invitae Variant Classification Sherloc (09022015). Collection method: clinical testing. Allele origin: germline.
Comment: This sequence change replaces serine, which is neutral and polar, with glycine, which is neutral and non-polar, at codon 1427 of the CDH23 protein (p.Ser1427Gly). This variant is not present in population databases (gnomAD no frequency). This variant has not been reported in the literature in individuals affected with CDH23-related conditions. ClinVar contains an entry for this variant (Variation ID: 2150275). Invitae Evidence Modeling of protein sequence and biophysical properties (such as structural, functional, and spatial information, amino acid conservation, physicochemical variation, residue mobility, and thermodynamic stability) has been performed for this missense variant. However, the output from this modeling did not meet the statistical confidence thresholds required to predict the impact of this variant on CDH23 protein function. In summary, the available evidence is currently insufficient to determine the role of this variant in disease. Therefore, it has been classified as a Variant of Uncertain Significance.

Ambry Genetics
Classification: Uncertain significance for Inborn genetic diseases. Last evaluated: 2023-03-31. Review status: criteria provided, single submitter. Criteria: Ambry Variant Classification Scheme 2023. Collection method: clinical testing. Allele origin: germline.